The following is an entry in ClinVar:

ClinVar aggregate classification (germline): Uncertain significance (1 of 4 stars; one submission).

Conditions:
Renal cell carcinoma. Identifiers: Orphanet 217071, MedGen C0007134, MeSH D002292, MONDO:0005086, HP:0005584.

Allele frequency attached by ClinVar (database versions not stated): gnomAD exomes below 0.00001.
gnomAD v4.1: 2 of 1,613,888 alleles (0.00012%); highest among the groups gnomAD compares: Non-Finnish European, 0.00017%; no homozygotes.

Submission:

Labcorp Genetics (formerly Invitae), Labcorp
Classification: Uncertain significance for Renal cell carcinoma. Last evaluated: 2018-03-16. Review status: criteria provided, single submitter. Criteria: Invitae Variant Classification Sherloc (09022015). Collection method: clinical testing. Allele origin: germline.
Comment: Algorithms developed to predict the effect of missense changes on protein structure and function do not agree on the potential impact of this missense change (SIFT: "Deleterious"; PolyPhen-2: "Probably Damaging"; Align-GVGD: "Class C0"). In summary, the available evidence is currently insufficient to determine the role of this variant in disease. Therefore, it has been classified as a Variant of Uncertain Significance. This variant has not been reported in the literature in individuals with MET-related disease. ClinVar contains an entry for this variant (Variation ID: 454230). This variant is not present in population databases (ExAC no frequency). This sequence change replaces valine with alanine at codon 1014 of the MET protein (p.Val1014Ala). The valine residue is highly conserved and there is a small physicochemical difference between valine and alanine.

NM_000245.4(MET):c.2987T>C (p.Val996Ala)

Gene: MET (MET proto-oncogene, receptor tyrosine kinase; plus strand). Cytogenetic location: 7q31.2.
Variant type: single nucleotide variant.
Coding change: c.2987T>C on transcript NM_000245.4 (MANE Select); coding-DNA position 2987, T replaced by C.
Protein change: p.Val996Ala; replaces valine 996 with alanine.
Molecular consequence: missense variant.
Genome position (GRCh38, 1-based): chr7:116,771,948, T>C. VCF-style: chr7-116771948-T-C. GRCh37 (hg19) VCF-style: chr7-116412002-T-C.
Other names: c.3041T>C, p.Val1014Ala (NM_001127500.3); c.1697T>C, p.Val566Ala (NM_001324402.2); c.3041T>C (LRG_662t1); short protein forms V1014A, V996A, V566A.
Identifiers: ClinVar variation 454230 (VCV000454230.10), dbSNP rs1554398418, ClinGen allele CA368987327.